The following is an entry in ClinVar:

ClinVar aggregate classification (germline): Likely pathogenic (0 of 4 stars; one submission).

Conditions:
Congenital secretory diarrhea, chloride type (DIAR1). Also called: DIARRHEA 1, SECRETORY CHLORIDE, CONGENITAL; CHLORIDORRHEA, CONGENITAL; CHLORIDE DIARRHEA, CONGENITAL, FINNISH TYPE. Identifiers: Orphanet 53689, MedGen C0267662, MONDO:0008964, OMIM 214700.

Submission:

Juha Muilu Group; Institute for Molecular Medicine Finland (FIMM)
Classification: Likely pathogenic for Congenital secretory diarrhea, chloride type. Review status: no assertion criteria provided. Collection method: not provided. Allele origin: unknown.
Comment: FinDis database variant: This variant was not found or characterized by our laboratory, data were collected from public sources: see reference
ClinVar note: Converted during submission from probable-pathogenic to Likely pathogenic.

NM_000111.3(SLC26A3):c.2104_2105delinsACCGGTTTTGAAGTGAAAATTCAAAATTT (p.Gly702delinsThrGlyPheGluValLysIleGlnAsnPhe)

Gene: SLC26A3 (solute carrier family 26 member 3; minus strand). Cytogenetic location: 7q22.3.
Variant type: Indel.
Coding change: c.2104_2105delinsACCGGTTTTGAAGTGAAAATTCAAAATTT on transcript NM_000111.3 (MANE Select); coding-DNA positions 2104 to 2105, GG replaced by ACCGGTTTTGAAGTGAAAATTCAAAATTT.
Protein change: p.Gly702delinsThrGlyPheGluValLysIleGlnAsnPhe.
Molecular consequence: inframe indel.
Genome position (GRCh38, 1-based): chr7:107,767,866-107,767,867, CC replaced by AAATTTTGAATTTTCACTTCAAAACCGGT on the plus strand (GG replaced by ACCGGTTTTGAAGTGAAAATTCAAAATTT on the coding strand, the reverse complement: SLC26A3 is on the minus strand). VCF-style: chr7-107767866-CC-AAATTTTGAATTTTCACTTCAAAACCGGT. GRCh37 (hg19) VCF-style: chr7-107408311-CC-AAATTTTGAATTTTCACTTCAAAACCGGT.
Other names: c.2104_2105delGGinsACCGGTTTTGAAGTGAAAATTCAAAATTT (NM_000111.2).
Identifiers: ClinVar variation 55990 (VCV000055990.2), dbSNP rs386833472, ClinGen allele CA144082.